The following is an entry in ClinVar:

ClinVar aggregate classification (germline): Likely benign. Review status: criteria provided, multiple submitters, no conflicts (2 of 4 stars). 2 submissions from 2 submitters: Likely benign (2). Last evaluated 2025-02-02.

Conditions:
SERPINB6-related disorder. Also called: SERPINB6-related condition.

Allele frequency attached by ClinVar (database versions not stated): gnomAD exomes 0.00003; ExAC 0.00012; 1000 Genomes Project 30x 0.00031; ESP Exome Variant Server 0.00038; 1000 Genomes Project 0.00040; gnomAD 0.00045; TOPMed 0.00050.
gnomAD v4.1: 113 of 1,614,196 alleles (0.007%); highest among the groups gnomAD compares: African/African-American, 0.14%; no homozygotes.

Submissions (2):

PreventionGenetics, part of Exact Sciences
Classification: Likely benign for SERPINB6-related condition. Last evaluated: 2025-02-02. Review status: criteria provided, single submitter. Criteria: ACMG Guidelines, 2015. Collection method: clinical testing. Allele origin: germline.
Comment: This variant is classified as likely benign based on ACMG/AMP sequence variant interpretation guidelines (Richards et al. 2015 PMID: 25741868, with internal and published modifications).

Labcorp Genetics (formerly Invitae), Labcorp
Classification: Likely benign. Last evaluated: 2022-12-03. Review status: criteria provided, single submitter. Criteria: Invitae Variant Classification Sherloc (09022015). Collection method: clinical testing. Allele origin: germline.

NM_004568.6(SERPINB6):c.312+10A>C

Gene: SERPINB6 (serpin family B member 6; minus strand). Cytogenetic location: 6p25.2.
Variant type: single nucleotide variant.
Coding change: c.312+10A>C on transcript NM_004568.6 (MANE Select); 10 bases into the intron after coding-DNA position 312, A replaced by C.
Molecular consequence: intron variant.
Genome position (GRCh38, 1-based): chr6:2,955,514, T>G on the plus strand (A>C on the coding strand, the complement: SERPINB6 is on the minus strand). VCF-style: chr6-2955514-T-G. GRCh37 (hg19) VCF-style: chr6-2955748-T-G.
Other names: c.312+10A>C (NM_004568.5, NM_001297700.2, NM_001271824.2 and 3 more transcripts); c.324+10A>C (NM_001195291.3, NM_001374515.1); c.354+10A>C (NM_001271822.2); c.369+10A>C (NM_001271823.2); c.180+10A>C (NM_001374517.1).
Identifiers: ClinVar variation 2746196 (VCV002746196.4), dbSNP rs181073094, ClinGen allele CA3617592.